The following is an entry in ClinVar:

NM_000082.4(ERCC8):c.275G>A (p.Arg92Lys)

Gene: ERCC8 (ERCC excision repair 8, CSA ubiquitin ligase complex subunit; minus strand). Cytogenetic location: 5q12.1.
Variant type: single nucleotide variant.
Coding change: c.275G>A on transcript NM_000082.4 (MANE Select); coding-DNA position 275, G replaced by A.
Protein change: p.Arg92Lys; replaces arginine 92 with lysine.
Molecular consequence: missense variant. On other transcripts: 5 prime UTR variant (1).
Genome position (GRCh38, 1-based): chr5:60,922,054, C>T on the plus strand (G>A on the coding strand, the complement: ERCC8 is on the minus strand). VCF-style: chr5-60922054-C-T. GRCh37 (hg19) VCF-style: chr5-60217881-C-T.
Other names: c.101G>A, p.Arg34Lys (NM_001007233.3); c.275G>A, p.Arg92Lys (NM_001007234.3); c.-103G>A (NM_001290285.2); short protein forms R92K, R34K.
Identifiers: ClinVar variation 1984029 (VCV001984029.4), dbSNP rs757826905, ClinGen allele CA3277904.

ClinVar aggregate classification (germline): Uncertain significance (1 of 4 stars; one submission).

Allele frequency attached by ClinVar (database versions not stated): gnomAD exomes below 0.00001; ExAC 0.00001.

Submission:

Labcorp Genetics (formerly Invitae), Labcorp
Classification: Uncertain significance. Last evaluated: 2022-03-24. Review status: criteria provided, single submitter. Criteria: Invitae Variant Classification Sherloc (09022015). Collection method: clinical testing. Allele origin: germline.
Comment: In summary, the available evidence is currently insufficient to determine the role of this variant in disease. Therefore, it has been classified as a Variant of Uncertain Significance. Variants that disrupt the consensus splice site are a relatively common cause of aberrant splicing (PMID: 17576681, 9536098). Algorithms developed to predict the effect of sequence changes on RNA splicing suggest that this variant may disrupt the consensus splice site. Algorithms developed to predict the effect of missense changes on protein structure and function are either unavailable or do not agree on the potential impact of this missense change (SIFT: "Deleterious"; PolyPhen-2: "Benign"; Align-GVGD: "Class C0"). This variant has not been reported in the literature in individuals affected with ERCC8-related conditions. This variant is present in population databases (rs757826905, gnomAD 0.003%). This sequence change affects codon 92 of the ERCC8 mRNA. It is a 'silent' change, meaning that it does not change the encoded amino acid sequence of the ERCC8 protein. This variant also falls at the last nucleotide of exon 3, which is part of the consensus splice site for this exon.

Literature cited by the submitters: PubMed 17576681; PubMed 9536098.